The following is an entry in ClinVar:

ClinVar aggregate classification (germline): Benign. Review status: criteria provided, multiple submitters, no conflicts (2 of 4 stars). 2 submissions from 2 submitters: Benign (2). Last evaluated 2025-12-18.

Conditions:
Primary dilated cardiomyopathy (DCM). Also called: Dilated Cardiomyopathy. Identifiers: Orphanet 217604, MedGen C0007193, MeSH D002311, MONDO:0005021, HP:0001644. Inheritance: Various modes of inheritance.

Allele frequency attached by ClinVar (database versions not stated): TOPMed 0.00026; ESP Exome Variant Server 0.00055; 1000 Genomes Project 30x 0.00234; 1000 Genomes Project 0.00260.
gnomAD v4.1: 1,117 of 1,604,568 alleles (0.07%); highest among the groups gnomAD compares: South Asian, 0.72%; 5 homozygotes.

Submissions (2):

Labcorp Genetics (formerly Invitae), Labcorp
Classification: Benign for Primary dilated cardiomyopathy. Last evaluated: 2025-12-18. Review status: criteria provided, single submitter. Criteria: Invitae Variant Classification Sherloc (09022015). Collection method: clinical testing. Allele origin: germline.

GeneDx
Classification: Benign. Last evaluated: 2017-08-02. Review status: criteria provided, single submitter. Criteria: GeneDx Variant Classification (06012015). Collection method: clinical testing. Allele origin: germline. Affected: yes.
Comment: This variant is considered likely benign or benign based on one or more of the following criteria: it is a conservative change, it occurs at a poorly conserved position in the protein, it is predicted to be benign by multiple in silico algorithms, and/or has population frequency not consistent with disease.

NM_006440.5(TXNRD2):c.374+16C>A

Gene: TXNRD2 (thioredoxin reductase 2; minus strand). Cytogenetic location: 22q11.21.
Variant type: single nucleotide variant.
Coding change: c.374+16C>A on transcript NM_006440.5 (MANE Select); 16 bases into the intron after coding-DNA position 374, C replaced by A.
Molecular consequence: intron variant.
Genome position (GRCh38, 1-based): chr22:19,918,844, G>T on the plus strand (C>A on the coding strand, the complement: TXNRD2 is on the minus strand). VCF-style: chr22-19918844-G-T. GRCh37 (hg19) VCF-style: chr22-19906367-G-T.
Other names: c.371+16C>A (NM_001352300.2); c.86+16C>A (NM_001352302.2); c.284+16C>A (NM_001352301.2); c.374+16C>A (NM_001282512.3); c.278+16C>A (NM_001352303.2).
Identifiers: ClinVar variation 509099 (VCV000509099.9), dbSNP rs141500917, ClinGen allele CA10104244.